The following is an entry in ClinVar:

ClinVar aggregate classification (germline): Conflicting classifications of pathogenicity. Review status: criteria provided, conflicting classifications (1 of 4 stars). 2 submissions from 2 submitters: Uncertain significance (1); Likely benign (1). Last evaluated 2024-12-04.

Conditions:
Hereditary cancer-predisposing syndrome. Also called: Tumor predisposition; Hereditary neoplastic syndrome; Hereditary Cancer Syndrome; Neoplastic Syndromes, Hereditary. Identifiers: Orphanet 140162, MedGen C0027672, MeSH D009386, MONDO:0015356.
Hereditary breast ovarian cancer syndrome. Also called: BRCA1- and BRCA2-Associated Hereditary Breast and Ovarian Cancer; Hereditary breast and ovarian cancer; Hereditary breast and/or ovarian cancer syndrome; Hereditary breast and ovarian cancer syndrome; Hereditary breast and ovarian cancer syndrome (HBOC); Breast and ovarian cancer. Identifiers: Orphanet 145, MedGen C0677776, MeSH D061325, MONDO:0003582. Disease mechanism: loss of function.

Allele frequency attached by ClinVar (database versions not stated): gnomAD exomes below 0.00001.
gnomAD v4.1: 1 of 1,613,686 alleles (0.000062%); highest among the groups gnomAD compares: Non-Finnish European, 0.000085%; no homozygotes.

Submissions (2):

Labcorp Genetics (formerly Invitae), Labcorp
Classification: Uncertain significance for Hereditary breast ovarian cancer syndrome. Last evaluated: 2024-12-04. Review status: criteria provided, single submitter. Criteria: Invitae Variant Classification Sherloc (09022015). Collection method: clinical testing. Allele origin: germline.
Comment: This sequence change replaces serine, which is neutral and polar, with proline, which is neutral and non-polar, at codon 282 of the BRCA1 protein (p.Ser282Pro). This variant is not present in population databases (gnomAD no frequency). This variant has not been reported in the literature in individuals affected with BRCA1-related conditions. ClinVar contains an entry for this variant (Variation ID: 964205). Invitae Evidence Modeling of protein sequence and biophysical properties (such as structural, functional, and spatial information, amino acid conservation, physicochemical variation, residue mobility, and thermodynamic stability) has been performed for this missense variant. However, the output from this modeling did not meet the statistical confidence thresholds required to predict the impact of this variant on BRCA1 protein function. In summary, the available evidence is currently insufficient to determine the role of this variant in disease. Therefore, it has been classified as a Variant of Uncertain Significance.

University of Washington Department of Laboratory Medicine, University of Washington
Classification: Likely benign for Hereditary cancer-predisposing syndrome. Last evaluated: 2023-03-23. Review status: criteria provided, single submitter. Criteria: Dines et al. (Genet Med. 2020). Collection method: curation. Allele origin: germline.
Comment: Missense variant in a coldspot region where missense variants are very unlikely to be pathogenic (PMID:31911673).

BRCA1 coldspot (exon 11 using historical exon numbering). Reclassification based on statistical prior probability

NM_007294.4(BRCA1):c.844T>C (p.Ser282Pro)

Gene: BRCA1 (BRCA1 DNA repair associated; minus strand). Cytogenetic location: 17q21.31.
Variant type: single nucleotide variant.
Coding change: c.844T>C on transcript NM_007294.4 (MANE Select); coding-DNA position 844, T replaced by C.
Protein change: p.Ser282Pro; replaces serine 282 with proline.
Molecular consequence: missense variant. On other transcripts: 5 prime UTR variant (2), intron variant (137).
Genome position (GRCh38, 1-based): chr17:43,094,687, A>G on the plus strand (T>C on the coding strand, the complement: BRCA1 is on the minus strand). VCF-style: chr17-43094687-A-G. GRCh37 (hg19) VCF-style: chr17-41246704-A-G.
Other names: c.718T>C, p.Ser240Pro (NM_001407941.1, NM_001407649.1, NM_001407670.1 and 11 more transcripts); c.703T>C, p.Ser235Pro (NM_001407942.1, NM_001407944.1, NM_001407945.1 and 29 more transcripts); c.700T>C, p.Ser234Pro (NM_001407943.1, NM_001407964.1, NM_001407740.1 and 20 more transcripts); c.511T>C, p.Ser171Pro (NM_001407946.1, NM_001407947.1, NM_001407948.1 and 6 more transcripts); c.508T>C, p.Ser170Pro (NM_001407954.1, NM_001407955.1, NM_001407956.1 and 1 more transcripts); c.463T>C, p.Ser155Pro (NM_001407959.1, NM_001407960.1, NM_001407963.1); c.460T>C, p.Ser154Pro (NM_001407962.1); c.340T>C, p.Ser114Pro (NM_001407965.1); and 40 more; short protein forms S235P, S282P, S114P, S193P, S211P, S241P, S256P, S279P.
Identifiers: ClinVar variation 964205 (VCV000964205.13), dbSNP rs2054037292, ClinGen allele CA10600394.